The following is an entry in ClinVar:

ClinVar aggregate classification (germline): Uncertain significance (1 of 4 stars; one submission).

gnomAD v4.1: 1 of 1,614,128 alleles (0.000062%); highest among the groups gnomAD compares: Non-Finnish European, 0.000085%; no homozygotes.

Submission:

Labcorp Genetics (formerly Invitae), Labcorp
Classification: Uncertain significance. Last evaluated: 2021-04-02. Review status: criteria provided, single submitter. Criteria: Invitae Variant Classification Sherloc (09022015). Collection method: clinical testing. Allele origin: germline.
Comment: This sequence change replaces glycine with serine at codon 692 of the CNNM4 protein (p.Gly692Ser). The glycine residue is moderately conserved and there is a small physicochemical difference between glycine and serine. This variant is not present in population databases (ExAC no frequency). In summary, the available evidence is currently insufficient to determine the role of this variant in disease. Therefore, it has been classified as a Variant of Uncertain Significance. Algorithms developed to predict the effect of missense changes on protein structure and function output the following: SIFT: "Tolerated"; PolyPhen-2: "Benign"; Align-GVGD: "Class C0". The serine amino acid residue is found in multiple mammalian species, suggesting that this missense change does not adversely affect protein function. These predictions have not been confirmed by published functional studies and their clinical significance is uncertain. This variant has not been reported in the literature in individuals with CNNM4-related conditions.

NM_020184.4(CNNM4):c.2074G>A (p.Gly692Ser)

Gene: CNNM4 (cyclin and CBS domain divalent metal cation transport mediator 4; plus strand). Cytogenetic location: 2q11.2.
Variant type: single nucleotide variant.
Coding change: c.2074G>A on transcript NM_020184.4 (MANE Select); coding-DNA position 2074, G replaced by A.
Protein change: p.Gly692Ser; replaces glycine 692 with serine.
Molecular consequence: missense variant.
Genome position (GRCh38, 1-based): chr2:96,808,686, G>A. VCF-style: chr2-96808686-G-A. GRCh37 (hg19) VCF-style: chr2-97474423-G-A.
Other names: short protein forms G692S.
Identifiers: ClinVar variation 1378573 (VCV001378573.8), dbSNP rs2153351674, ClinGen allele CA347708709.